The following is an entry in ClinVar:

ClinVar aggregate classification (germline): Likely benign. Review status: criteria provided, multiple submitters, no conflicts (2 of 4 stars). 4 submissions from 4 submitters: Likely benign (3). 1 of the submissions does not count toward it. Last evaluated 2025-12-09.

Conditions:
COL4A2-related disorder. Also called: COL4A2-related disorders; COL4A2-related condition.
Inborn genetic diseases. Identifiers: MedGen C0950123, MeSH D030342.
Brain small vessel disease 2A, autosomal dominant. Also called: Porencephaly 2. Identifiers: Orphanet 2940, Orphanet 99810, MedGen C3280970, MONDO:0013773, OMIM 614483.

Allele frequency attached by ClinVar (database versions not stated): gnomAD exomes 0.00032 and 0.00026; 1000 Genomes Project 0.00040; ESP Exome Variant Server 0.00048; ExAC 0.00023; gnomAD 0.00024 and 0.00027; TOPMed 0.00025; 1000 Genomes Project 30x 0.00031.
gnomAD v4.1: 506 of 1,613,570 alleles (0.031%); highest among the groups gnomAD compares: Admixed American, 0.072%; 1 homozygote.

Submissions (4):

Labcorp Genetics (formerly Invitae), Labcorp
Classification: Likely benign. Last evaluated: 2025-12-09. Review status: criteria provided, single submitter. Criteria: Invitae Variant Classification Sherloc (09022015). Collection method: clinical testing. Allele origin: germline.

Ambry Genetics
Classification: Likely benign for Inborn genetic diseases. Last evaluated: 2021-08-27. Review status: criteria provided, single submitter. Criteria: Ambry Variant Classification Scheme 2023. Collection method: clinical testing. Allele origin: germline.

Illumina Laboratory Services, Illumina
Classification: Likely benign for Brain small vessel disease 2A, autosomal dominant. Last evaluated: 2018-01-12. Review status: criteria provided, single submitter. Criteria: ICSL Variant Classification Criteria 13 December 2019. Collection method: clinical testing. Allele origin: germline.
Comment: This variant was observed in the ICSL laboratory as part of a predisposition screen in an ostensibly healthy population. It had not been previously curated by ICSL or reported in the Human Gene Mutation Database (HGMD: prior to June 1st, 2018), and was therefore a candidate for classification through an automated scoring system. Utilizing variant allele frequency, disease prevalence and penetrance estimates, and inheritance mode, an automated score was calculated to assess if this variant is too frequent to cause the disease. Based on the score and internal cut-off values, a variant classified as likely benign is not then subjected to further curation. The score for this variant resulted in a classification of likely benign for this disease.

PreventionGenetics, part of Exact Sciences
Classification: Likely benign for COL4A2-related condition. Last evaluated: 2023-01-26. Review status: no assertion criteria provided. Collection method: clinical testing. Allele origin: germline. Not counted in ClinVar's aggregate classification.
Comment: This variant is classified as likely benign based on ACMG/AMP sequence variant interpretation guidelines (Richards et al. 2015 PMID: 25741868, with internal and published modifications).

NM_001846.4(COL4A2):c.4916C>T (p.Ser1639Leu)

Gene: COL4A2 (collagen type IV alpha 2 chain; plus strand). Cytogenetic location: 13q34.
Variant type: single nucleotide variant.
Coding change: c.4916C>T on transcript NM_001846.4 (MANE Select); coding-DNA position 4916, C replaced by T.
Protein change: p.Ser1639Leu; replaces serine 1639 with leucine.
Molecular consequence: missense variant.
Genome position (GRCh38, 1-based): chr13:110,511,968, C>T. VCF-style: chr13-110511968-C-T. GRCh37 (hg19) VCF-style: chr13-111164315-C-T.
Other names: c.4916C>T (NM_001846.3); short protein forms S1639L.
Identifiers: ClinVar variation 311191 (VCV000311191.12), dbSNP rs77786415, ClinGen allele CA7050709.
Genomic context (GRCh38, chr13:110,511,968, plus strand): 5'-CCTGTCCTGCCCCCCTCTCTGTGCAGCACACGGCGGCGGGAGACGAAGGCGGTGGCCAAT[C>T]ACTGGTGTCACCGGGCAGCTGTCTAGAGGACTTCCGCGCCACACCATTCATCGAATGCAA-3'
Protein context (NP_001837.2, residues 1629-1649): TAAGDEGGGQ[Ser1639Leu]LVSPGSCLED